The following is an entry in ClinVar:

ClinVar aggregate classification (germline): Likely benign (1 of 4 stars; one submission).

Conditions:
Lynch syndrome 4 (LYNCH4). Also called: Colorectal cancer, hereditary nonpolyposis, type 4; Hereditary non-polyposis colorectal cancer, type 4. Identifiers: Orphanet 144, MedGen C1838333, MONDO:0013699, OMIM 614337. Disease mechanism: loss of function.

gnomAD v4.1: 1 of 1,559,078 alleles (0.000064%); highest among the groups gnomAD compares: Non-Finnish European, 0.000088%; no homozygotes.

Submission:

Myriad Genetics, Inc.
Classification: Likely benign for Lynch syndrome 4. Last evaluated: 2025-01-29. Review status: criteria provided, single submitter. Criteria: Myriad Autosomal Dominant, Autosomal Recessive and X-Linked Classification Criteria (2023). Collection method: clinical testing. Allele origin: unknown.
Comment: This variant is considered likely benign. This variant is intronic and is not expected to impact mRNA splicing.

NM_000535.7(PMS2):c.1145-12A>T

Gene: PMS2 (PMS1 homolog 2, mismatch repair system component; minus strand). Cytogenetic location: 7p22.1.
Variant type: single nucleotide variant.
Coding change: c.1145-12A>T on transcript NM_000535.7 (MANE Select); 12 bases into the intron before coding-DNA position 1145, A replaced by T.
Molecular consequence: intron variant.
Genome position (GRCh38, 1-based): chr7:5,987,632, T>A on the plus strand (A>T on the coding strand, the complement: PMS2 is on the minus strand). VCF-style: chr7-5987632-T-A. GRCh37 (hg19) VCF-style: chr7-6027263-T-A.
Other names: c.827-12A>T (NM_001322008.2, NM_001406883.1, NM_001406903.1 and 2 more transcripts); c.836-12A>T (NM_001406881.1, NM_001406879.1, NM_001322015.2 and 5 more transcripts); c.740-12A>T (NM_001406895.1, NM_001322004.2, NM_001406889.1 and 16 more transcripts); c.374-12A>T (NM_001406911.1); c.584-12A>T (NM_001322010.2, NM_001406906.1, NM_001406907.1); c.671-12A>T (NM_001406902.1, NM_001406901.1); c.632-12A>T (NM_001406904.1, NM_001406905.1); c.572-12A>T (NM_001322013.2, NM_001406909.1); and 13 more.
Identifiers: ClinVar variation 3903732 (VCV003903732.1).